The following is an entry in ClinVar:

NM_006017.3(PROM1):c.2335G>C (p.Val779Leu)

Gene: PROM1 (prominin 1; minus strand). Cytogenetic location: 4p15.32.
Variant type: single nucleotide variant.
Coding change: c.2335G>C on transcript NM_006017.3 (MANE Select); coding-DNA position 2335, G replaced by C.
Protein change: p.Val779Leu; replaces valine 779 with leucine.
Molecular consequence: missense variant. On other transcripts: non-coding transcript variant (2), intron variant (1).
Genome position (GRCh38, 1-based): chr4:15,984,301, C>G on the plus strand (G>C on the coding strand, the complement: PROM1 is on the minus strand). VCF-style: chr4-15984301-C-G. GRCh37 (hg19) VCF-style: chr4-15985924-C-G.
Other names: c.2308G>C, p.Val770Leu (NM_001145847.2, NM_001145848.2, NM_001145851.2 and 4 more transcripts); c.2335G>C, p.Val779Leu (NM_001145849.2, NM_001145850.2); c.2305G>C, p.Val769Leu (NM_001441173.1); c.2224G>C, p.Val742Leu (NM_001441174.1); c.2215G>C, p.Val739Leu (NM_001441176.1); c.2203G>C, p.Val735Leu (NM_001441177.1); c.2143G>C, p.Val715Leu (NM_001441178.1); c.1969G>C, p.Val657Leu (NM_001441179.1); and 1 more; short protein forms V657L, V715L, V742L, V769L, V739L, V779L, V735L, V770L.
Identifiers: ClinVar variation 4702685 (VCV004702685.2).

ClinVar aggregate classification (germline): Uncertain significance. Review status: criteria provided, multiple submitters, no conflicts (2 of 4 stars). 2 submissions from 2 submitters: Uncertain significance (2). Last evaluated 2025-11-08.

gnomAD v4.1: 15 of 1,609,456 alleles (0.00093%); highest among the groups gnomAD compares: South Asian, 0.014%; no homozygotes.

Submissions (2):

Labcorp Genetics (formerly Invitae), Labcorp
Classification: Uncertain significance. Last evaluated: 2025-11-08. Review status: criteria provided, single submitter. Criteria: Invitae Variant Classification Sherloc (09022015). Collection method: clinical testing. Allele origin: germline.
Comment: This sequence change replaces valine, which is neutral and non-polar, with leucine, which is neutral and non-polar, at codon 779 of the PROM1 protein (p.Val779Leu). This variant is present in population databases (rs747305691, gnomAD 0.03%). This variant has not been reported in the literature in individuals affected with PROM1-related conditions. An algorithm developed to predict the effect of missense changes on protein structure and function (PolyPhen-2) suggests that this variant is likely to be disruptive. In summary, the available evidence is currently insufficient to determine the role of this variant in disease. Therefore, it has been classified as a Variant of Uncertain Significance.

Blueprint Genetics
Classification: Uncertain significance. Last evaluated: 2023-01-26. Review status: criteria provided, single submitter. Criteria: ACMG Guidelines, 2015. Collection method: clinical testing. Allele origin: germline.